The following is an entry in ClinVar:

ClinVar aggregate classification (germline): Conflicting classifications of pathogenicity. Review status: criteria provided, conflicting classifications (1 of 4 stars). 4 submissions from 4 submitters: Uncertain significance (1); Likely benign (3). Last evaluated 2026-03-01.

Conditions:
Heterotaxy, visceral, 8, autosomal (HTX8). Identifiers: MedGen C4310668, MONDO:0014967, OMIM 617205.

Allele frequency attached by ClinVar (database versions not stated): gnomAD 0.00195 and 0.00199; gnomAD exomes 0.00195 and 0.00209; ExAC 0.00197; ESP Exome Variant Server 0.00200; TOPMed 0.00212; 1000 Genomes Project 30x 0.00250; 1000 Genomes Project 0.00300.
gnomAD v4.1: 3,356 of 1,614,056 alleles (0.21%); highest among the groups gnomAD compares: Middle Eastern, 1.1%; 9 homozygotes.

Submissions (4):

CeGaT Center for Human Genetics Tuebingen
Classification: Likely benign. Last evaluated: 2026-03-01. Review status: criteria provided, single submitter. Criteria: CeGaT Center For Human Genetics Tuebingen Variant Classification Criteria Version 2. Collection method: clinical testing. Allele origin: germline. Affected: yes. Observed: 5 variant alleles.
Comment: PKD1L1: BP4, BS2

Labcorp Genetics (formerly Invitae), Labcorp
Classification: Likely benign. Last evaluated: 2026-01-17. Review status: criteria provided, single submitter. Criteria: Invitae Variant Classification Sherloc (09022015). Collection method: clinical testing. Allele origin: germline.

Blueprint Genetics
Classification: Likely benign. Last evaluated: 2024-11-22. Review status: criteria provided, single submitter. Criteria: ACMG Guidelines, 2015. Collection method: clinical testing. Allele origin: germline.

Institute of Human Genetics, University of Leipzig Medical Center
Classification: Uncertain significance for Heterotaxy, visceral, 8, autosomal. Last evaluated: 2019-01-01. Review status: criteria provided, single submitter. Criteria: ACMG Guidelines, 2015. Collection method: clinical testing. Allele origin: unknown. Affected: no.

NM_138295.5(PKD1L1):c.7827+6C>T

Genes: PKD1L1 (polycystin 1 like 1, transient receptor potential channel interacting; minus strand), PKD1L1-AS1 (PKD1L1 antisense RNA 1; plus strand). Cytogenetic location: 7p12.3.
Variant type: single nucleotide variant.
Coding change: c.7827+6C>T on transcript NM_138295.5 (MANE Select); 6 bases into the intron after coding-DNA position 7827, C replaced by T.
Molecular consequence: intron variant.
Genome position (GRCh38, 1-based): chr7:47,808,241, G>A on the plus strand (C>T on the coding strand, the complement: PKD1L1 is on the minus strand). VCF-style: chr7-47808241-G-A. GRCh37 (hg19) VCF-style: chr7-47847839-G-A.
Identifiers: ClinVar variation 708345 (VCV000708345.34), dbSNP rs145827073, ClinGen allele CA4251914.